The following is an entry in ClinVar:

NM_014797.3(ZBTB24):c.2041C>T (p.Pro681Ser)

Genes: MICAL1 (microtubule associated monooxygenase, calponin and LIM domain containing 1; minus strand), ZBTB24 (zinc finger and BTB domain containing 24; minus strand). Cytogenetic location: 6q21.
Variant type: single nucleotide variant.
Coding change: c.2041C>T on transcript NM_014797.3 (MANE Select); coding-DNA position 2041, C replaced by T.
Protein change: p.Pro681Ser; replaces proline 681 with serine.
Molecular consequence: missense variant. On other transcripts: 5 prime UTR variant (1).
Genome position (GRCh38, 1-based): chr6:109,465,904, G>A on the plus strand (C>T on the coding strand, the complement: ZBTB24 is on the minus strand). VCF-style: chr6-109465904-G-A. GRCh37 (hg19) VCF-style: chr6-109787107-G-A.
Other names: c.-227C>T (NM_001286613.2); short protein forms P681S.
Identifiers: ClinVar variation 2169779 (VCV002169779.24), dbSNP rs775492598, ClinGen allele CA3953969.

ClinVar aggregate classification (germline): Conflicting classifications of pathogenicity. Review status: criteria provided, conflicting classifications (1 of 4 stars). 3 submissions from 3 submitters: Uncertain significance (2); Likely benign (1). Last evaluated 2025-02-07.

Conditions:
Inborn genetic diseases. Identifiers: MedGen C0950123, MeSH D030342.
Immunodeficiency-centromeric instability-facial anomalies syndrome 2 (ICF2). Identifiers: Orphanet 2268, MedGen C3279748, MONDO:0013553, OMIM 614069.

Allele frequency attached by ClinVar (database versions not stated): gnomAD 0.00001; TOPMed 0.00002; ExAC 0.00001; gnomAD exomes 0.00002.
gnomAD v4.1: 34 of 1,614,100 alleles (0.0021%); highest among the groups gnomAD compares: Non-Finnish European, 0.0026%; no homozygotes.

Submissions (3):

Ambry Genetics
Classification: Uncertain significance for Inborn genetic diseases. Last evaluated: 2025-02-07. Review status: criteria provided, single submitter. Criteria: Ambry Variant Classification Scheme 2023. Collection method: clinical testing. Allele origin: germline.

CeGaT Center for Human Genetics Tuebingen
Classification: Likely benign. Last evaluated: 2022-11-01. Review status: criteria provided, single submitter. Criteria: CeGaT Center For Human Genetics Tuebingen Variant Classification Criteria Version 2. Collection method: clinical testing. Allele origin: germline. Affected: yes. Observed: 2 variant alleles.
Comment: ZBTB24: BP4

Labcorp Genetics (formerly Invitae), Labcorp
Classification: Uncertain significance for Immunodeficiency-centromeric instability-facial anomalies syndrome 2. Last evaluated: 2022-01-19. Review status: criteria provided, single submitter. Criteria: Invitae Variant Classification Sherloc (09022015). Collection method: clinical testing. Allele origin: germline.
Comment: This sequence change replaces proline, which is neutral and non-polar, with serine, which is neutral and polar, at codon 681 of the ZBTB24 protein (p.Pro681Ser). This variant is present in population databases (rs775492598, gnomAD 0.005%). This variant has not been reported in the literature in individuals affected with ZBTB24-related conditions. Algorithms developed to predict the effect of missense changes on protein structure and function output the following: SIFT: "Not Available"; PolyPhen-2: "Possibly Damaging"; Align-GVGD: "Not Available". The serine amino acid residue is found in multiple mammalian species, which suggests that this missense change does not adversely affect protein function. In summary, the available evidence is currently insufficient to determine the role of this variant in disease. Therefore, it has been classified as a Variant of Uncertain Significance.